The following is an entry in ClinVar:

NM_052867.4(NALCN):c.4949G>C (p.Arg1650Pro)

Genes: NALCN (sodium leak channel, non-selective; minus strand), NALCN-AS1 (NALCN antisense RNA 1; plus strand). Cytogenetic location: 13q32.3.
Variant type: single nucleotide variant.
Coding change: c.4949G>C on transcript NM_052867.4 (MANE Select); coding-DNA position 4949, G replaced by C.
Protein change: p.Arg1650Pro; replaces arginine 1650 with proline.
Molecular consequence: missense variant. On other transcripts: non-coding transcript variant (1).
Genome position (GRCh38, 1-based): chr13:101,058,013, C>G on the plus strand (G>C on the coding strand, the complement: NALCN is on the minus strand). VCF-style: chr13-101058013-C-G. GRCh37 (hg19) VCF-style: chr13-101710365-C-G.
Other names: c.5036G>C, p.Arg1679Pro (NM_001350748.2); c.4949G>C, p.Arg1650Pro (NM_001350749.2); c.4862G>C, p.Arg1621Pro (NM_001350750.2, NM_001350751.2); c.4949G>C (NM_052867.2); short protein forms R1621P, R1650P, R1679P.
Identifiers: ClinVar variation 2977002 (VCV002977002.4), dbSNP rs970102740, ClinGen allele CA255391761.

ClinVar aggregate classification (germline): Uncertain significance. Review status: criteria provided, multiple submitters, no conflicts (2 of 4 stars). 2 submissions from 2 submitters: Uncertain significance (2). Last evaluated 2025-06-04.

gnomAD v4.1: 14 of 1,613,632 alleles (0.00087%); highest among the groups gnomAD compares: Admixed American, 0.013%; no homozygotes.

Submissions (2):

Labcorp Genetics (formerly Invitae), Labcorp
Classification: Uncertain significance. Last evaluated: 2025-06-04. Review status: criteria provided, single submitter. Criteria: Invitae Variant Classification Sherloc (09022015). Collection method: clinical testing. Allele origin: germline.
Comment: This sequence change replaces arginine, which is basic and polar, with proline, which is neutral and non-polar, at codon 1650 of the NALCN protein (p.Arg1650Pro). This variant is present in population databases (no rsID available, gnomAD 0.01%). This variant has not been reported in the literature in individuals affected with NALCN-related conditions. ClinVar contains an entry for this variant (Variation ID: 2977002). Invitae Evidence Modeling of protein sequence and biophysical properties (such as structural, functional, and spatial information, amino acid conservation, physicochemical variation, residue mobility, and thermodynamic stability) indicates that this missense variant is not expected to disrupt NALCN protein function with a negative predictive value of 80%. In summary, the available evidence is currently insufficient to determine the role of this variant in disease. Therefore, it has been classified as a Variant of Uncertain Significance.

GeneDx
Classification: Uncertain significance. Last evaluated: 2025-01-06. Review status: criteria provided, single submitter. Criteria: GeneDx Variant Classification Process June 2021. Collection method: clinical testing. Allele origin: germline. Affected: yes.
Comment: In silico analysis indicates that this missense variant does not alter protein structure/function; Has not been previously published as pathogenic or benign to our knowledge